The following is an entry in ClinVar:

NM_207122.2(EXT2):c.870del (p.Glu291fs)

Gene: EXT2 (exostosin glycosyltransferase 2; plus strand). Cytogenetic location: 11p11.2.
Variant type: Deletion.
Coding change: c.870del on transcript NM_207122.2 (MANE Select); coding-DNA position 870, one base deleted (A; older notation c.870delA).
Protein change: p.Glu291fs; shifts the reading frame from glutamic acid 291.
Molecular consequence: frameshift variant.
Genome position (GRCh38, 1-based): chr11:44,124,915, A deleted. VCF-style (leftmost placement, unchanged base first): chr11-44124914-CA-C. GRCh37 (hg19) VCF-style: chr11-44146464-CA-C.
Other names: c.969del, p.Glu324fs (NM_000401.3); c.870del, p.Glu291fs (NM_001178083.3, NM_001389628.1, NM_001389630.1); short protein forms E324fs, E291fs.
Identifiers: ClinVar variation 3727712 (VCV003727712.2).
Genomic context (GRCh38, chr11:44,124,914, plus strand): 5'-AAGCCCTCCAGGTCAAACATGGAGAGTCAGTGTTAGTACTCGATAAATGCACCAACCTCT[CA>C]GAGGGTGTCCTTTCTGTCCGTAAGCGCTGCCACAAGCACCAGGTCTTCGATTACCCACAG-3'

ClinVar aggregate classification (germline): Pathogenic (1 of 4 stars; one submission).

Conditions:
Exostoses, multiple, type 2 (EXT2). Also called: Hereditary Multiple Osteochondromatosis, Type II; EXOSTOSES, MULTIPLE, TYPE II. Identifiers: Orphanet 321, MedGen C1851413, MONDO:0007586, OMIM 133701.

Submission:

Labcorp Genetics (formerly Invitae), Labcorp
Classification: Pathogenic for Exostoses, multiple, type 2. Last evaluated: 2024-12-21. Review status: criteria provided, single submitter. Criteria: Invitae Variant Classification Sherloc (09022015). Collection method: clinical testing. Allele origin: germline.
Comment: This sequence change creates a premature translational stop signal (p.Glu291Argfs*41) in the EXT2 gene. It is expected to result in an absent or disrupted protein product. Loss-of-function variants in EXT2 are known to be pathogenic (PMID: 10679937, 19810120). This variant is not present in population databases (gnomAD no frequency). This variant has not been reported in the literature in individuals affected with EXT2-related conditions. For these reasons, this variant has been classified as Pathogenic.

Literature cited by the submitters: PubMed 10679937; PubMed 19810120.